The following is an entry in ClinVar:

ClinVar aggregate classification (germline): Conflicting classifications of pathogenicity. Review status: no assertion criteria provided (0 of 4 stars). 2 submissions from 2 submitters: Uncertain significance (1); Likely benign (1). Last evaluated 2020-04-17.

Conditions:
MED17-related disorder. Also called: MED17-related condition.
Infantile cerebral and cerebellar atrophy with postnatal progressive microcephaly (MSBA). Identifiers: Orphanet 402364, MedGen C3150921, MONDO:0013351, OMIM 613668.

Allele frequency attached by ClinVar (database versions not stated): 1000 Genomes Project 30x 0.00016; 1000 Genomes Project 0.00020; TOPMed 0.00020; gnomAD exomes 0.00024 and 0.00037; gnomAD 0.00028 and 0.00029; ESP Exome Variant Server 0.00039; ExAC 0.00047.
gnomAD v4.1: 399 of 1,592,544 alleles (0.025%); highest among the groups gnomAD compares: Non-Finnish European, 0.029%; 1 homozygote.

Submissions (2):

Natera, Inc.
Classification: Uncertain significance for Postnatal progressive microcephaly with seizures and brain atrophy. Last evaluated: 2020-04-17. Review status: no assertion criteria provided. Collection method: clinical testing. Allele origin: germline.

PreventionGenetics, part of Exact Sciences
Classification: Likely benign for MED17-related condition. Last evaluated: 2019-04-10. Review status: no assertion criteria provided. Collection method: clinical testing. Allele origin: germline.
Comment: This variant is classified as likely benign based on ACMG/AMP sequence variant interpretation guidelines (Richards et al. 2015 PMID: 25741868, with internal and published modifications).

NM_004268.5(MED17):c.-10C>T

Genes: MED17 (mediator complex subunit 17; plus strand), LOC112136095 (Sharpr-MPRA regulatory region 5970; plus strand). Cytogenetic location: 11q21.
Variant type: single nucleotide variant.
Coding change: c.-10C>T on transcript NM_004268.5 (MANE Select); 10 bases upstream of the start codon, C replaced by T.
Molecular consequence: 5 prime UTR variant.
Genome position (GRCh38, 1-based): chr11:93,784,504, C>T. VCF-style: chr11-93784504-C-T. GRCh37 (hg19) VCF-style: chr11-93517670-C-T.
Other names: c.-10C>T (NM_004268.4).
Identifiers: ClinVar variation 989497 (VCV000989497.3), dbSNP rs199995347, ClinGen allele CA6232221.